The following is an entry in ClinVar:

ClinVar aggregate classification (germline): Likely benign. Review status: criteria provided, multiple submitters, no conflicts (2 of 4 stars). 3 submissions from 3 submitters: Likely benign (3). Last evaluated 2025-03-18.

Conditions:
CC2D2A-related disorder. Also called: CC2D2A-related disorders; CC2D2A-related condition. Identifiers: MedGen CN239313.
Joubert syndrome. Also called: JOUBERT-BOLTSHAUSER SYNDROME; Familial aplasia of the vermis. Identifiers: Orphanet 475, MedGen C5979921, MONDO:0018772.
Meckel-Gruber syndrome. Also called: Dysencephalia splachnocystica; DYSENCEPHALIA SPLANCHNOCYSTICA; GRUBER SYNDROME. Identifiers: Orphanet 564, MedGen C0265215, MONDO:0018921.

Allele frequency attached by ClinVar (database versions not stated): ExAC 0.00001; gnomAD 0.00001 and 0.00003; gnomAD exomes 0.00002; 1000 Genomes Project 30x 0.00016; 1000 Genomes Project 0.00020.
gnomAD v4.1: 37 of 1,597,228 alleles (0.0023%); highest among the groups gnomAD compares: African/African-American, 0.0054%; no homozygotes.

Submissions (3):

Labcorp Genetics (formerly Invitae), Labcorp
Classification: Likely benign for Joubert syndrome; Meckel-Gruber syndrome. Last evaluated: 2025-03-18. Review status: criteria provided, single submitter. Criteria: Invitae Variant Classification Sherloc (09022015). Collection method: clinical testing. Allele origin: germline.

PreventionGenetics, part of Exact Sciences
Classification: Likely benign for CC2D2A-related condition. Last evaluated: 2024-12-03. Review status: criteria provided, single submitter. Criteria: ACMG Guidelines, 2015. Collection method: clinical testing. Allele origin: germline.
Comment: This variant is classified as likely benign based on ACMG/AMP sequence variant interpretation guidelines (Richards et al. 2015 PMID: 25741868, with internal and published modifications).

Blueprint Genetics
Classification: Likely benign. Last evaluated: 2023-08-22. Review status: criteria provided, single submitter. Criteria: ACMG Guidelines, 2015. Collection method: clinical testing. Allele origin: germline.

NM_001378615.1(CC2D2A):c.333G>A (p.Ala111=)

Genes: CC2D2A (coiled-coil and C2 domain containing 2A; plus strand), FBXL5 (F-box and leucine rich repeat protein 5; minus strand). Cytogenetic location: 4p15.32.
Variant type: single nucleotide variant.
Coding change: c.333G>A on transcript NM_001378615.1 (MANE Select); coding-DNA position 333, G replaced by A.
Protein change: p.Ala111=; no amino-acid change (alanine 111 retained).
Molecular consequence: synonymous variant.
Genome position (GRCh38, 1-based): chr4:15,502,514, G>A. VCF-style: chr4-15502514-G-A. GRCh37 (hg19) VCF-style: chr4-15504137-G-A.
Other names: c.186G>A, p.Ala62= (NM_001378617.1); c.333G>A, p.Ala111= (NM_001080522.2).
Identifiers: ClinVar variation 698685 (VCV000698685.12), dbSNP rs200273579, ClinGen allele CA2863372.